The following is an entry in ClinVar:

ClinVar aggregate classification (germline): Uncertain significance (1 of 4 stars; one submission).

Conditions:
Multiple endocrine neoplasia, type 1 (MEN1). Also called: Endocrine adenomatosis multiple; MEN 1; MEA I; MEN I; WERMER SYNDROME. Identifiers: Orphanet 652, MedGen C0025267, MeSH D018761, MONDO:0007540, OMIM 131100.

Submission:

Labcorp Genetics (formerly Invitae), Labcorp
Classification: Uncertain significance for Multiple endocrine neoplasia, type 1. Last evaluated: 2024-05-21. Review status: criteria provided, single submitter. Criteria: Invitae Variant Classification Sherloc (09022015). Collection method: clinical testing. Allele origin: germline.
Comment: This sequence change replaces proline, which is neutral and non-polar, with arginine, which is basic and polar, at codon 59 of the MEN1 protein (p.Pro59Arg). This variant is not present in population databases (gnomAD no frequency). This variant has not been reported in the literature in individuals affected with MEN1-related conditions. ClinVar contains an entry for this variant (Variation ID: 653273). Advanced modeling of protein sequence and biophysical properties (such as structural, functional, and spatial information, amino acid conservation, physicochemical variation, residue mobility, and thermodynamic stability) performed at Invitae indicates that this missense variant is expected to disrupt MEN1 protein function with a positive predictive value of 95%. In summary, the available evidence is currently insufficient to determine the role of this variant in disease. Therefore, it has been classified as a Variant of Uncertain Significance.

NM_001370259.2(MEN1):c.176C>G (p.Pro59Arg)

Gene: MEN1 (menin 1; minus strand). Cytogenetic location: 11q13.1.
Variant type: single nucleotide variant.
Coding change: c.176C>G on transcript NM_001370259.2 (MANE Select); coding-DNA position 176, C replaced by G.
Protein change: p.Pro59Arg; replaces proline 59 with arginine.
Molecular consequence: missense variant.
Genome position (GRCh38, 1-based): chr11:64,809,934, G>C on the plus strand (C>G on the coding strand, the complement: MEN1 is on the minus strand). VCF-style: chr11-64809934-G-C. GRCh37 (hg19) VCF-style: chr11-64577406-G-C.
Other names: c.176C>G, p.Pro59Arg (NM_000244.4, NM_001370251.2, NM_001370260.2 and 9 more transcripts); short protein forms P59R.
Identifiers: ClinVar variation 653273 (VCV000653273.8), dbSNP rs768445858, ClinGen allele CA381187711.